The following is an entry in ClinVar:

NM_052989.3(IFT122):c.937C>T (p.Arg313Trp)

Gene: IFT122 (intraflagellar transport 122; plus strand). Cytogenetic location: 3q21.3.
Variant type: single nucleotide variant.
Coding change: c.937C>T on transcript NM_052989.3 (MANE Select); coding-DNA position 937, C replaced by T.
Protein change: p.Arg313Trp; replaces arginine 313 with tryptophan.
Molecular consequence: missense variant.
Genome position (GRCh38, 1-based): chr3:129,476,435, C>T. VCF-style: chr3-129476435-C-T. GRCh37 (hg19) VCF-style: chr3-129195278-C-T.
Other names: c.1090C>T (NM_052985.2); c.913C>T, p.Arg305Trp (NM_001280541.2); c.487C>T, p.Arg163Trp (NM_001280545.2); c.310C>T, p.Arg104Trp (NM_001280546.2); c.760C>T, p.Arg254Trp (NM_018262.4); c.1090C>T, p.Arg364Trp (NM_052985.4); c.604C>T, p.Arg202Trp (NM_052990.3); short protein forms R364W, R202W, R104W, R163W, R254W, R313W, R305W.
Identifiers: ClinVar variation 1348262 (VCV001348262.7), dbSNP rs755493101, ClinGen allele CA2606028.

ClinVar aggregate classification (germline): Uncertain significance. Review status: criteria provided, multiple submitters, no conflicts (2 of 4 stars). 3 submissions from 3 submitters: Uncertain significance (3). Last evaluated 2026-05-27.

Conditions:
Inborn genetic diseases. Identifiers: MedGen C0950123, MeSH D030342.
Cranioectodermal dysplasia 1 (CED1). Also called: LEVIN SYNDROME I. Identifiers: Orphanet 1515, MedGen C0432235, MONDO:0021093, OMIM 218330.

Allele frequency attached by ClinVar (database versions not stated): TOPMed 0.00004; gnomAD 0.00005 and 0.00004; gnomAD exomes 0.00002 and 0.00005; ExAC 0.00002.
gnomAD v4.1: 37 of 1,613,924 alleles (0.0023%); highest among the groups gnomAD compares: Admixed American, 0.03%; no homozygotes.

Submissions (3):

Ambry Genetics
Classification: Uncertain significance for Inborn genetic diseases. Last evaluated: 2026-05-27. Review status: criteria provided, single submitter. Criteria: Ambry Variant Classification Scheme 2023. Collection method: clinical testing. Allele origin: germline.
Comment: The c.1090C>T (p.R364W) alteration is located in exon 11 (coding exon 11) of the IFT122 gene. This alteration results from a C to T substitution at nucleotide position 1090, causing the arginine (R) at amino acid position 364 to be replaced by a tryptophan (W). Based on data from gnomAD, the T allele has an overall frequency of 0.005% (12/251484) total alleles studied. The highest observed frequency was 0.02% (7/34592) of Latino alleles. Based on insufficient or conflicting evidence, the clinical significance of this alteration remains unclear.

Labcorp Genetics (formerly Invitae), Labcorp
Classification: Uncertain significance for Cranioectodermal dysplasia 1. Last evaluated: 2024-02-24. Review status: criteria provided, single submitter. Criteria: Invitae Variant Classification Sherloc (09022015). Collection method: clinical testing. Allele origin: germline.
Comment: This sequence change replaces arginine, which is basic and polar, with tryptophan, which is neutral and slightly polar, at codon 364 of the IFT122 protein (p.Arg364Trp). This variant is present in population databases (rs755493101, gnomAD 0.02%). This variant has not been reported in the literature in individuals affected with IFT122-related conditions. ClinVar contains an entry for this variant (Variation ID: 1348262). Advanced modeling of protein sequence and biophysical properties (such as structural, functional, and spatial information, amino acid conservation, physicochemical variation, residue mobility, and thermodynamic stability) performed at Invitae indicates that this missense variant is not expected to disrupt IFT122 protein function with a negative predictive value of 80%. In summary, the available evidence is currently insufficient to determine the role of this variant in disease. Therefore, it has been classified as a Variant of Uncertain Significance.

Fulgent Genetics
Classification: Uncertain significance for Cranioectodermal dysplasia 1. Last evaluated: 2021-11-12. Review status: criteria provided, single submitter. Criteria: ACMG Guidelines, 2015. Collection method: clinical testing. Allele origin: unknown.